The following is an entry in ClinVar:

NM_003626.5(PPFIA1):c.2358T>C (p.Ser786=)

Gene: PPFIA1 (PPFI scaffold protein A1; plus strand). Cytogenetic location: 11q13.3.
Variant type: single nucleotide variant.
Coding change: c.2358T>C on transcript NM_003626.5 (MANE Select); coding-DNA position 2358, T replaced by C.
Protein change: p.Ser786=; no amino-acid change (serine 786 retained).
Molecular consequence: synonymous variant. On other transcripts: non-coding transcript variant (1).
Genome position (GRCh38, 1-based): chr11:70,355,681, T>C. VCF-style: chr11-70355681-T-C. GRCh37 (hg19) VCF-style: chr11-70201787-T-C.
Other names: c.2463T>C, p.Ser821= (NM_001378006.1); c.2358T>C, p.Ser786= (NM_177423.3).
Identifiers: ClinVar variation 2642060 (VCV002642060.24), dbSNP rs1308226509, ClinGen allele CA475243530.

ClinVar aggregate classification (germline): Likely benign (1 of 4 stars; one submission).

Allele frequency attached by ClinVar (database versions not stated): gnomAD exomes 0.00001.

Submission:

CeGaT Center for Human Genetics Tuebingen
Classification: Likely benign. Last evaluated: 2026-08-01. Review status: criteria provided, single submitter. Criteria: CeGaT Center For Human Genetics Tuebingen Variant Classification Criteria Version 2. Collection method: clinical testing. Allele origin: germline. Affected: yes. Observed: 7 variant alleles.
Comment: PPFIA1: BP4, BP7